The following is an entry in ClinVar:

ClinVar aggregate classification (germline): Benign. Review status: criteria provided, multiple submitters, no conflicts (2 of 4 stars). 3 submissions from 3 submitters: Benign (2). 1 of the submissions does not count toward it. Last evaluated 2026-02-04.

Conditions:
DIP2C-related disorder. Also called: DIP2C-related condition.

Allele frequency attached by ClinVar (database versions not stated): ESP Exome Variant Server 0.97524; 1000 Genomes Project 30x 0.97626; gnomAD exomes 0.99090 and 0.99545; TOPMed 0.97448; gnomAD 0.97653 and 0.97813; 1000 Genomes Project 0.97943; ExAC 0.99013.
gnomAD v4.1: 1,603,360 of 1,613,718 alleles (99%); highest among the groups gnomAD compares: South Asian, 100%; 796,696 homozygotes.

Submissions (3):

Labcorp Genetics (formerly Invitae), Labcorp
Classification: Benign. Last evaluated: 2026-02-04. Review status: criteria provided, single submitter. Criteria: Invitae Variant Classification Sherloc (09022015). Collection method: clinical testing. Allele origin: germline.

Breakthrough Genomics
Classification: Benign. Review status: criteria provided, single submitter. Criteria: ACMG Guidelines, 2015. Collection method: not provided. Allele origin: germline. Inheritance: Unknown mechanism. Affected: yes.

PreventionGenetics, part of Exact Sciences
Classification: Benign for DIP2C-related condition. Last evaluated: 2019-11-08. Review status: no assertion criteria provided. Collection method: clinical testing. Allele origin: germline. Not counted in ClinVar's aggregate classification.
Comment: This variant is classified as benign based on ACMG/AMP sequence variant interpretation guidelines (Richards et al. 2015 PMID: 25741868, with internal and published modifications).

NM_014974.3(DIP2C):c.1248G>A (p.Pro416=)

Gene: DIP2C (DIP2 acetate--CoA ligase C (putative); minus strand). Cytogenetic location: 10p15.3.
Variant type: single nucleotide variant.
Coding change: c.1248G>A on transcript NM_014974.3 (MANE Select); coding-DNA position 1248, G replaced by A.
Protein change: p.Pro416=; no amino-acid change (proline 416 retained).
Molecular consequence: synonymous variant.
Genome position (GRCh38, 1-based): chr10:399,121, C>T on the plus strand (G>A on the coding strand, the complement: DIP2C is on the minus strand). VCF-style: chr10-399121-C-T. GRCh37 (hg19) VCF-style: chr10-445061-C-T.
Other names: c.1248G>A (NM_014974.2).
Identifiers: ClinVar variation 1545960 (VCV001545960.11), dbSNP rs6560837, ClinGen allele CA5381005.